The following is an entry in ClinVar:

ClinVar aggregate classification (germline): Benign. Review status: criteria provided, multiple submitters, no conflicts (2 of 4 stars). 3 submissions from 2 submitters: Benign (3). Last evaluated 2018-01-12.

Conditions:
Atrichia with papular lesions (APL). Also called: PAPULAR ATRICHIA. Identifiers: Orphanet 86819, MedGen C1859592, MONDO:0008847, OMIM 209500.
Alopecia universalis congenita (ALUNC). Also called: ATRICHIA, GENERALIZED. Identifiers: Orphanet 701, MedGen C1859877, MONDO:0008757, OMIM 203655.

Allele frequency attached by ClinVar (database versions not stated): gnomAD exomes 0.00132; gnomAD 0.01138 and 0.01220; 1000 Genomes Project 0.01158; 1000 Genomes Project 30x 0.01218; TOPMed 0.01257.

Submissions (3):

Illumina Laboratory Services, Illumina
Classification: Benign for Alopecia universalis congenita. Last evaluated: 2018-01-12. Review status: criteria provided, single submitter. Criteria: ICSL Variant Classification Criteria 13 December 2019. Collection method: clinical testing. Allele origin: germline.
Comment: This variant was observed in the ICSL laboratory as part of a predisposition screen in an ostensibly healthy population. It had not been previously curated by ICSL or reported in the Human Gene Mutation Database (HGMD: prior to June 1st, 2018), and was therefore a candidate for classification through an automated scoring system. Utilizing variant allele frequency, disease prevalence and penetrance estimates, and inheritance mode, an automated score was calculated to assess if this variant is too frequent to cause the disease. Based on the score and internal cut-off values, a variant classified as benign is not then subjected to further curation. The score for this variant resulted in a classification of benign for this disease.

Illumina Laboratory Services, Illumina
Classification: Benign for Atrichia with papular lesions. Last evaluated: 2018-01-12. Review status: criteria provided, single submitter. Criteria: ICSL Variant Classification Criteria 13 December 2019. Collection method: clinical testing. Allele origin: germline.
Comment: the same text as in the submission from Illumina Laboratory Services, Illumina above.

Breakthrough Genomics
Classification: Benign. Review status: criteria provided, single submitter. Criteria: ACMG Guidelines, 2015. Collection method: not provided. Allele origin: germline. Inheritance: Autosomal recessive inheritance. Affected: yes.

NM_005144.5(HR):c.*218T>C

Gene: HR (HR lysine demethylase and nuclear receptor corepressor; minus strand). Cytogenetic location: 8p21.3.
Variant type: single nucleotide variant.
Coding change: c.*218T>C on transcript NM_005144.5 (MANE Select); 218 bases downstream of the stop codon, T replaced by C.
Molecular consequence: 3 prime UTR variant.
Genome position (GRCh38, 1-based): chr8:22,115,482, A>G on the plus strand (T>C on the coding strand, the complement: HR is on the minus strand). VCF-style: chr8-22115482-A-G. GRCh37 (hg19) VCF-style: chr8-21972995-A-G.
Other names: c.*218T>C (NM_018411.4).
Identifiers: ClinVar variation 362467 (VCV000362467.6), dbSNP rs74869265, ClinGen allele CA10625133.